The following is an entry in ClinVar:

NM_001367624.2(ZNF469):c.11329C>T (p.Pro3777Ser)

Gene: ZNF469 (zinc finger protein 469; plus strand). Cytogenetic location: 16q24.2.
Variant type: single nucleotide variant.
Coding change: c.11329C>T on transcript NM_001367624.2 (MANE Select); coding-DNA position 11329, C replaced by T.
Protein change: p.Pro3777Ser; replaces proline 3777 with serine.
Molecular consequence: missense variant.
Genome position (GRCh38, 1-based): chr16:88,438,799, C>T. VCF-style: chr16-88438799-C-T. GRCh37 (hg19) VCF-style: chr16-88505207-C-T.
Other names: NM_001127464.1:c.11245C>T; short protein forms P3777S.
Identifiers: ClinVar variation 1798583 (VCV001798583.2), dbSNP rs1392051381, ClinGen allele CA397129754.
Genomic context (GRCh38, chr16:88,438,799, plus strand): 5'-CTCCAGAGCGAGACAGCCACCACCCCAGCCAAGCCCAGCTTCCCCAGCCGGAGCCCTGCA[C>T]CAGAGAGGCTCCCCGCTCGAGCCCAAGCCAAGAGCTGCACCAAGGGGCCAAGGGAAGCTG-3'
Protein context (NP_001354553.1, residues 3767-3787): KPSFPSRSPA[Pro3777Ser]ERLPARAQAK

ClinVar aggregate classification (germline): Uncertain significance (1 of 4 stars; one submission).

Conditions:
Cardiovascular phenotype. Identifiers: MedGen CN230736.

gnomAD v4.1: 1 of 1,550,286 alleles (0.000065%); no homozygotes.

Submission:

Ambry Genetics
Classification: Uncertain significance for Cardiovascular phenotype. Last evaluated: 2022-04-09. Review status: criteria provided, single submitter. Criteria: Ambry Variant Classification Scheme 2023. Collection method: clinical testing. Allele origin: germline.
Comment: The p.P3749S variant (also known as c.11245C>T), located in coding exon 2 of the ZNF469 gene, results from a C to T substitution at nucleotide position 11245. The proline at codon 3749 is replaced by serine, an amino acid with similar properties. This amino acid position is conserved. In addition, this alteration is predicted to be tolerated by in silico analysis. Since supporting evidence is limited at this time, the clinical significance of this alteration remains unclear.